The following is an entry in ClinVar:

NM_002063.4(GLRA2):c.270+165_270+174del

Gene: GLRA2 (glycine receptor alpha 2; plus strand). Cytogenetic location: Xp22.2.
Variant type: Deletion.
Coding change: c.270+165_270+174del on transcript NM_002063.4 (MANE Select); bases 165 to 174 of the intron after coding-DNA position 270, 10 bases deleted (TGGGACTGAG; older notation c.270+165_270+174delTGGGACTGAG).
Molecular consequence: intron variant. On other transcripts: splice donor variant (1).
Genome position (GRCh38, 1-based): chrX:14,574,565-14,574,574, TGGGACTGAG deleted; deleting any 10 consecutive bases within chrX:14,574,561-14,574,574 gives the same sequence; the c. name uses the placement nearest the transcript's 3' end. VCF-style (leftmost placement, unchanged base first): chrX-14574560-GTGAGTGGGAC-G. GRCh37 (hg19) VCF-style: chrX-14592682-GTGAGTGGGAC-G.
Other names: c.3+165_3+174del (NM_001171942.2); c.270+165_270+174del (NM_001118885.2); c.270+6_270+15del (NM_001118886.2).
Identifiers: ClinVar variation 4085503 (VCV004085503.8).

ClinVar aggregate classification (germline): Uncertain significance (1 of 4 stars; one submission).

Submission:

CeGaT Center for Human Genetics Tuebingen
Classification: Uncertain significance. Last evaluated: 2025-07-01. Review status: criteria provided, single submitter. Criteria: CeGaT Center For Human Genetics Tuebingen Variant Classification Criteria Version 2. Collection method: clinical testing. Allele origin: germline. Affected: yes. Observed: 1 variant allele.
Comment: GLRA2: PM2, BP4